The following is an entry in ClinVar:

NM_032447.5(FBN3):c.7738G>A (p.Gly2580Arg)

Gene: FBN3 (fibrillin 3; minus strand). Cytogenetic location: 19p13.2.
Variant type: single nucleotide variant.
Coding change: c.7738G>A on transcript NM_032447.5 (MANE Select); coding-DNA position 7738, G replaced by A.
Protein change: p.Gly2580Arg; replaces glycine 2580 with arginine.
Molecular consequence: missense variant.
Genome position (GRCh38, 1-based): chr19:8,073,262, C>T on the plus strand (G>A on the coding strand, the complement: FBN3 is on the minus strand). VCF-style: chr19-8073262-C-T. GRCh37 (hg19) VCF-style: chr19-8138146-C-T.
Other names: c.7738G>A, p.Gly2580Arg (NM_001321431.2); short protein forms G2580R.
Identifiers: ClinVar variation 2179203 (VCV002179203.4), dbSNP rs200245318, ClinGen allele CA9150752.

ClinVar aggregate classification (germline): Uncertain significance (1 of 4 stars; one submission).

Allele frequency attached by ClinVar (database versions not stated): gnomAD exomes 0.00001; ExAC 0.00003; TOPMed 0.00004; gnomAD 0.00005; 1000 Genomes Project 30x 0.00016; 1000 Genomes Project 0.00020.
gnomAD v4.1: 27 of 1,613,870 alleles (0.0017%); highest among the groups gnomAD compares: African/African-American, 0.016%; no homozygotes.

Submission:

Labcorp Genetics (formerly Invitae), Labcorp
Classification: Uncertain significance. Last evaluated: 2024-07-17. Review status: criteria provided, single submitter. Criteria: Invitae Variant Classification Sherloc (09022015). Collection method: clinical testing. Allele origin: germline.
Comment: This sequence change replaces glycine, which is neutral and non-polar, with arginine, which is basic and polar, at codon 2580 of the FBN3 protein (p.Gly2580Arg). This variant is present in population databases (rs200245318, gnomAD 0.008%). This variant has not been reported in the literature in individuals affected with FBN3-related conditions. ClinVar contains an entry for this variant (Variation ID: 2179203). Advanced modeling of protein sequence and biophysical properties (such as structural, functional, and spatial information, amino acid conservation, physicochemical variation, residue mobility, and thermodynamic stability) has been performed at Invitae for this missense variant, however the output from this modeling did not meet the statistical confidence thresholds required to predict the impact of this variant on FBN3 protein function. Algorithms developed to predict the effect of sequence changes on RNA splicing suggest that this variant may create or strengthen a splice site. In summary, the available evidence is currently insufficient to determine the role of this variant in disease. Therefore, it has been classified as a Variant of Uncertain Significance.